The following is an entry in ClinVar:

ClinVar aggregate classification (germline): Pathogenic (1 of 4 stars; one submission).

Conditions:
Ataxia-telangiectasia syndrome (AT). Also called: AT, COMPLEMENTATION GROUP C; Ataxia telangiectasia (A-T); LOUIS-BAR SYNDROME; Ataxia-telangiectasia, complementation group D; Ataxia-telangiectasia, complementation group E; ATAXIA-TELANGIECTASIA, COMPLEMENTATION GROUP A. Identifiers: Orphanet 100, MedGen C0004135, MONDO:0008840, OMIM 208900.

Submission:

Labcorp Genetics (formerly Invitae), Labcorp
Classification: Pathogenic for Ataxia-telangiectasia syndrome. Last evaluated: 2022-03-11. Review status: criteria provided, single submitter. Criteria: Invitae Variant Classification Sherloc (09022015). Collection method: clinical testing. Allele origin: germline.
Comment: This variant is not present in population databases (gnomAD no frequency). For these reasons, this variant has been classified as Pathogenic. This variant has not been reported in the literature in individuals affected with ATM-related conditions. This sequence change creates a premature translational stop signal (p.Leu1335Phefs*4) in the ATM gene. It is expected to result in an absent or disrupted protein product. Loss-of-function variants in ATM are known to be pathogenic (PMID: 23807571, 25614872).

Literature cited by the submitters: PubMed 23807571; PubMed 25614872.

NM_000051.4(ATM):c.4004dup (p.Leu1335fs)

Gene: ATM (ATM serine/threonine kinase; plus strand). Cytogenetic location: 11q22.3.
Variant type: Duplication.
Coding change: c.4004dup on transcript NM_000051.4 (MANE Select); coding-DNA position 4004, one base duplicated (T; older notation c.4004dupT).
Protein change: p.Leu1335fs; shifts the reading frame from leucine 1335.
Molecular consequence: frameshift variant.
Genome position (GRCh38, 1-based): chr11:108,287,610, T duplicated; the last of 2 consecutive T bases (chr11:108,287,609-108,287,610); duplicating either gives the same sequence. VCF-style (leftmost placement, unchanged base first): chr11-108287608-C-CT. GRCh37 (hg19) VCF-style: chr11-108158335-C-CT.
Other names: c.4004dup, p.Leu1335fs (NM_001351834.2); short protein forms L1335fs.
Identifiers: ClinVar variation 2108694 (VCV002108694.4), dbSNP rs2546897734, ClinGen allele CA2580083187.
Genomic context (GRCh38, chr11:108,287,608, plus strand): 5'-GACGTTCACAGATATAAAATATTAAATATATTTTAATTTTGTGCCCTTGCAGATTGATCA[C>CT]TTATTCATTAGTAATTTACCAGAGATTGTGGTGGAGTTATTGATGACGTTACATGAGCCA-3'